The following is an entry in ClinVar:

NM_001035.3(RYR2):c.5167A>G (p.Asn1723Asp)

Gene: RYR2 (ryanodine receptor 2; plus strand). Cytogenetic location: 1q43.
Variant type: single nucleotide variant.
Coding change: c.5167A>G on transcript NM_001035.3 (MANE Select); coding-DNA position 5167, A replaced by G.
Protein change: p.Asn1723Asp; replaces asparagine 1723 with aspartic acid.
Molecular consequence: missense variant.
Genome position (GRCh38, 1-based): chr1:237,614,295, A>G. VCF-style: chr1-237614295-A-G. GRCh37 (hg19) VCF-style: chr1-237777595-A-G.
Other names: short protein forms N1723D.
Identifiers: ClinVar variation 4763537 (VCV004763537.1).
Genomic context (GRCh38, chr1:237,614,295, plus strand): 5'-TATGACCTGCTGATTGACATCCACCTGAGCTCCTATGCCACTGCCAGGCTCATGATGAAC[A>G]ACGAGTACATTGTCCCCATGACGGAGGAGACGAAGAGCATCACCCTGTTCCCTGATGAGA-3'
Protein context (NP_001026.2, residues 1713-1733): SYATARLMMN[Asn1723Asp]EYIVPMTEET

ClinVar aggregate classification (germline): Uncertain significance (1 of 4 stars; one submission).

Conditions:
Catecholaminergic polymorphic ventricular tachycardia 1. Also called: RYR2-Related Catecholaminergic Polymorphic Ventricular Tachycardia; VENTRICULAR TACHYCARDIA, STRESS-INDUCED POLYMORPHIC 1; VENTRICULAR TACHYCARDIA, CATECHOLAMINERGIC POLYMORPHIC, 1, WITH OR WITHOUT ATRIAL DYSFUNCTION AND/OR DILATED CARDIOMYOPATHY. Identifiers: Orphanet 3286, MedGen C1631597, MONDO:0011484, OMIM 604772.

gnomAD v4.1: 1 of 1,614,038 alleles (0.000062%); highest among the groups gnomAD compares: Non-Finnish European, 0.000085%; no homozygotes.

Submission:

Labcorp Genetics (formerly Invitae), Labcorp
Classification: Uncertain significance for Catecholaminergic polymorphic ventricular tachycardia 1. Last evaluated: 2025-05-01. Review status: criteria provided, single submitter. Criteria: Invitae Variant Classification Sherloc (09022015). Collection method: clinical testing. Allele origin: germline.
Comment: This sequence change replaces asparagine, which is neutral and polar, with aspartic acid, which is acidic and polar, at codon 1723 of the RYR2 protein (p.Asn1723Asp). This variant is not present in population databases (gnomAD no frequency). This variant has not been reported in the literature in individuals affected with RYR2-related conditions. Invitae Evidence Modeling of protein sequence and biophysical properties (such as structural, functional, and spatial information, amino acid conservation, physicochemical variation, residue mobility, and thermodynamic stability) indicates that this missense variant is not expected to disrupt RYR2 protein function with a negative predictive value of 95%. In summary, the available evidence is currently insufficient to determine the role of this variant in disease. Therefore, it has been classified as a Variant of Uncertain Significance.